The following is an entry in ClinVar:

ClinVar aggregate classification (germline): Likely pathogenic (1 of 4 stars; one submission).

Conditions:
Very long chain acyl-CoA dehydrogenase deficiency (ACADVLD). Also called: Very Long-Chain Acyl-Coenzyme A Dehydrogenase Deficiency; VLCAD Deficiency. Identifiers: Orphanet 26793, MedGen C3887523, MONDO:0008723, OMIM 201475.

Allele frequency attached by ClinVar (database versions not stated): gnomAD 0.00001.
gnomAD v4.1: 1 of 1,612,884 alleles (0.000062%); no homozygotes.

Submission:

Labcorp Genetics (formerly Invitae), Labcorp
Classification: Likely pathogenic for Very long chain acyl-CoA dehydrogenase deficiency. Last evaluated: 2023-10-22. Review status: criteria provided, single submitter. Criteria: Invitae Variant Classification Sherloc (09022015). Collection method: clinical testing. Allele origin: germline.
Comment: This sequence change affects an acceptor splice site in intron 9 of the ACADVL gene. It is expected to disrupt RNA splicing. Variants that disrupt the donor or acceptor splice site typically lead to a loss of protein function (PMID: 16199547), and loss-of-function variants in ACADVL are known to be pathogenic (PMID: 9973285, 11590124). This variant is not present in population databases (gnomAD no frequency). This variant has not been reported in the literature in individuals affected with ACADVL-related conditions. Algorithms developed to predict the effect of sequence changes on RNA splicing suggest that this variant may disrupt the consensus splice site. In summary, the currently available evidence indicates that the variant is pathogenic, but additional data are needed to prove that conclusively. Therefore, this variant has been classified as Likely Pathogenic.

Literature cited by the submitters: PubMed 16199547; PubMed 9973285; PubMed 11590124.

NM_000018.4(ACADVL):c.879-2A>G

Gene: ACADVL (acyl-CoA dehydrogenase very long chain; plus strand). Cytogenetic location: 17p13.1.
Variant type: single nucleotide variant.
Coding change: c.879-2A>G on transcript NM_000018.4 (MANE Select); the canonical splice acceptor site of the intron before coding-DNA position 879, A replaced by G.
Molecular consequence: splice acceptor variant.
Genome position (GRCh38, 1-based): chr17:7,222,665, A>G. VCF-style: chr17-7222665-A-G. GRCh37 (hg19) VCF-style: chr17-7125984-A-G.
Other names: c.948-2A>G (NM_001270447.2); c.651-2A>G (NM_001270448.2); c.813-2A>G (NM_001033859.3).
Identifiers: ClinVar variation 2883322 (VCV002883322.3), dbSNP rs2071286530, ClinGen allele CA397723882.